The following is an entry in ClinVar:

NM_006441.4(MTHFS):c.484C>T (p.Gln162Ter)

Genes: MTHFS (methenyltetrahydrofolate synthetase; minus strand), ST20-MTHFS (ST20-MTHFS readthrough; minus strand). Cytogenetic location: 15q25.1.
Variant type: single nucleotide variant.
Coding change: c.484C>T on transcript NM_006441.4 (MANE Select); coding-DNA position 484, C replaced by T.
Protein change: p.Gln162Ter; replaces glutamine 162 with a stop codon.
Molecular consequence: nonsense. On other transcripts: non-coding transcript variant (1).
Genome position (GRCh38, 1-based): chr15:79,845,338, G>A on the plus strand (C>T on the coding strand, the complement: MTHFS is on the minus strand). VCF-style: chr15-79845338-G-A. GRCh37 (hg19) VCF-style: chr15-80137680-G-A.
Other names: c.412C>T, p.Gln138Ter (NM_001199760.2); c.313C>T, p.Gln105Ter (NM_001199758.1); short protein forms Q105*, Q162*, Q138*.
Identifiers: ClinVar variation 522830 (VCV000522830.4), dbSNP rs771379232, ClinGen allele CA7690271.

ClinVar aggregate classification (germline): Likely pathogenic. Review status: criteria provided, single submitter (1 of 4 stars). 2 submissions from 2 submitters: Likely pathogenic (1). 1 of the submissions does not count toward it. Last evaluated 2019-04-30.

Conditions:
Neurodevelopmental disorder with microcephaly, epilepsy, and hypomyelination. Identifiers: Orphanet 597874, MedGen C5193057, MONDO:0032705, OMIM 618367.

Allele frequency attached by ClinVar (database versions not stated): ExAC 0.00002; gnomAD exomes 0.00002 and 0.00003; TOPMed 0.00002; gnomAD 0.00003 and 0.00004.
gnomAD v4.1: 53 of 1,614,050 alleles (0.0033%); highest among the groups gnomAD compares: Non-Finnish European, 0.0042%; no homozygotes.

Submissions (2):

Undiagnosed Diseases Network, NIH
Classification: Likely pathogenic for Neurodevelopmental disorder with microcephaly, epilepsy, and hypomyelination. Last evaluated: 2019-04-30. Review status: criteria provided, single submitter. Criteria: ACMG Guidelines, 2015. Collection method: clinical testing. Allele origin: paternal. Inheritance: Autosomal recessive inheritance. Affected: yes. Observed: 1 variant allele, 1 compound heterozygote. Study: Undiagnosed Diseases Network (NIH), UDN.

OMIM
Classification: Pathogenic for NEURODEVELOPMENTAL DISORDER WITH MICROCEPHALY, EPILEPSY, AND HYPOMYELINATION. Last evaluated: 2019-03-27. Review status: no assertion criteria provided. Collection method: literature only. Allele origin: germline. Not counted in ClinVar's aggregate classification.

Literature cited by the submitters: PubMed 30031689 (cited by OMIM).